The following is an entry in ClinVar:

ClinVar aggregate classification (germline): Pathogenic (1 of 4 stars; one submission).

Conditions:
Familial thoracic aortic aneurysm and aortic dissection (TAAD). Also called: Thoracic aortic aneurysms and dissections. Identifiers: Orphanet 91387, MedGen C4707243, MONDO:0019625.

Submission:

Ambry Genetics
Classification: Pathogenic for Familial thoracic aortic aneurysm and aortic dissection. Last evaluated: 2023-03-13. Review status: criteria provided, single submitter. Criteria: Ambry Variant Classification Scheme 2023. Collection method: clinical testing. Allele origin: germline.
Comment: The c.783delC pathogenic mutation, located in coding exon 6 of the SMAD3 gene, results from a deletion of one nucleotide at nucleotide position 783, causing a translational frameshift with a predicted alternate stop codon (p.D262Tfs*10). This variant is considered to be rare based on population cohorts in the Genome Aggregation Database (gnomAD). This alteration is expected to result in loss of function by premature protein truncation or nonsense-mediated mRNA decay. As such, this alteration is interpreted as a disease-causing mutation.

NM_005902.4(SMAD3):c.783del (p.Asp262fs)

Gene: SMAD3 (SMAD family member 3; plus strand). Cytogenetic location: 15q22.33.
Variant type: Deletion.
Coding change: c.783del on transcript NM_005902.4 (MANE Select); coding-DNA position 783, one base deleted (C; older notation c.783delC).
Protein change: p.Asp262fs; shifts the reading frame from aspartic acid 262.
Molecular consequence: frameshift variant.
Genome position (GRCh38, 1-based): chr15:67,181,365, C deleted; the last of 2 consecutive C bases (chr15:67,181,364-67,181,365); deleting either gives the same sequence. VCF-style (leftmost placement, unchanged base first): chr15-67181363-AC-A. GRCh37 (hg19) VCF-style: chr15-67473701-AC-A.
Other names: c.468del, p.Asp157fs (NM_001145102.2, NM_001407016.1); c.651del, p.Asp218fs (NM_001145103.2, NM_001407012.1); c.198del, p.Asp67fs (NM_001145104.2, NM_001407017.1); c.783del, p.Asp262fs (NM_001407011.1, NM_001407013.1); c.636del, p.Asp213fs (NM_001407014.1); c.336del, p.Asp113fs (NM_001407015.1); short protein forms D218fs, D262fs, D157fs, D213fs, D67fs, D113fs.
Identifiers: ClinVar variation 2452420 (VCV002452420.2), dbSNP rs2505284183, ClinGen allele CA2580089888.